The following is an entry in ClinVar:

ClinVar aggregate classification (germline): Uncertain significance. Review status: criteria provided, multiple submitters, no conflicts (2 of 4 stars). 2 submissions from 2 submitters: Uncertain significance (2). Last evaluated 2024-09-12.

Conditions:
Epidermolysis bullosa simplex 5B, with muscular dystrophy (EBS5B). Also called: EPIDERMOLYSIS BULLOSA SIMPLEX AND LIMB-GIRDLE MUSCULAR DYSTROPHY; Epidermolysis bullosa simplex with muscular dystrophy. Identifiers: Orphanet 257, MedGen C2931072, MONDO:0009181, OMIM 226670.
Autosomal recessive limb-girdle muscular dystrophy type 2Q (LGMDR17). Also called: MUSCULAR DYSTROPHY, LIMB-GIRDLE, AUTOSOMAL RECESSIVE 17. Identifiers: Orphanet 254361, MedGen C3150989, MONDO:0013390, OMIM 613723.
Epidermolysis bullosa simplex with nail dystrophy (EBS5D). Identifiers: MedGen C4225309, MONDO:0014661, OMIM 616487.
Epidermolysis bullosa simplex, Ogna type (EBS5A). Also called: Pidermolysis bullosa simplex 5A, Ogna type; EPIDERMOLYSIS BULLOSA SIMPLEX 5A, OGNA TYPE. Identifiers: Orphanet 79401, MedGen C0432317, MONDO:0007555, OMIM 131950.
Epidermolysis bullosa simplex 5C, with pyloric atresia (EBS5C). Also called: Epidermolysis bullosa simplex with pyloric atresia; PLEC-Related Epidermolysis Bullosa with Pyloric Atresia; PLEC1-Related Epidermolysis Bullosa with Pyloric Atresia. Identifiers: Orphanet 158684, MedGen C2677349, MONDO:0012807, OMIM 612138.

Allele frequency attached by ClinVar (database versions not stated): TOPMed below 0.00001; gnomAD 0.00001; gnomAD exomes 0.00001; ExAC 0.00003.
gnomAD v4.1: 38 of 1,573,788 alleles (0.0024%); highest among the groups gnomAD compares: Middle Eastern, 0.017%; no homozygotes.

Submissions (2):

Blueprint Genetics
Classification: Uncertain significance. Last evaluated: 2024-09-12. Review status: criteria provided, single submitter. Criteria: ACMG Guidelines, 2015. Collection method: clinical testing. Allele origin: germline.

Labcorp Genetics (formerly Invitae), Labcorp
Classification: Uncertain significance for Autosomal recessive limb-girdle muscular dystrophy type 2Q; Epidermolysis bullosa simplex, Ogna type; Epidermolysis bullosa simplex with nail dystrophy; Epidermolysis bullosa simplex 5C, with pyloric atresia; Epidermolysis bullosa simplex 5B, with muscular dystrophy. Last evaluated: 2024-05-02. Review status: criteria provided, single submitter. Criteria: Invitae Variant Classification Sherloc (09022015). Collection method: clinical testing. Allele origin: germline.
Comment: This sequence change replaces arginine, which is basic and polar, with glutamine, which is neutral and polar, at codon 831 of the PLEC protein (p.Arg831Gln). This variant is present in population databases (rs782119259, gnomAD 0.004%). This variant has not been reported in the literature in individuals affected with PLEC-related conditions. ClinVar contains an entry for this variant (Variation ID: 947403). Advanced modeling of protein sequence and biophysical properties (such as structural, functional, and spatial information, amino acid conservation, physicochemical variation, residue mobility, and thermodynamic stability) performed at Invitae indicates that this missense variant is not expected to disrupt PLEC protein function with a negative predictive value of 80%. In summary, the available evidence is currently insufficient to determine the role of this variant in disease. Therefore, it has been classified as a Variant of Uncertain Significance.

NM_201384.3(PLEC):c.2411G>A (p.Arg804Gln)

Gene: PLEC (plectin; minus strand). Cytogenetic location: 8q24.3.
Variant type: single nucleotide variant.
Coding change: c.2411G>A on transcript NM_201384.3 (MANE Select); coding-DNA position 2411, G replaced by A.
Protein change: p.Arg804Gln; replaces arginine 804 with glutamine.
Molecular consequence: missense variant.
Genome position (GRCh38, 1-based): chr8:143,930,430, C>T on the plus strand (G>A on the coding strand, the complement: PLEC is on the minus strand). VCF-style: chr8-143930430-C-T. GRCh37 (hg19) VCF-style: chr8-145004598-C-T.
Other names: c.2492G>A, p.Arg831Gln (NM_000445.5); c.2369G>A, p.Arg790Gln (NM_201378.4); c.2345G>A, p.Arg782Gln (NM_201379.3); c.2822G>A, p.Arg941Gln (NM_201380.4); c.2315G>A, p.Arg772Gln (NM_201381.3); c.2411G>A, p.Arg804Gln (NM_201382.4); c.2423G>A, p.Arg808Gln (NM_201383.3); short protein forms R772Q, R782Q, R790Q, R804Q, R808Q, R941Q, R831Q.
Identifiers: ClinVar variation 947403 (VCV000947403.8), dbSNP rs782119259, ClinGen allele CA4927547.
Genomic context (GRCh38, chr8:143,930,430, plus strand): 5'-CGGCCTGCGCTCACCTCCACCTGCTTATAGTCGCACACGGCCAGCAGGGGCAGGCGGCCC[C>T]GCATGGGGTGGGCTGGGTGGCGGGGCTTCAGCTGCACGACGGCCTTGGCCCGCTTGGCCA-3'
Protein context (NP_958786.1, residues 794-814): LKPRHPAHPM[Arg804Gln]GRLPLLAVCD